The following is an entry in ClinVar:

ClinVar aggregate classification (germline): Benign/Likely benign. Review status: criteria provided, multiple submitters, no conflicts (2 of 4 stars). 3 submissions from 3 submitters: Benign (1); Likely benign (2). Last evaluated 2026-04-15.

Conditions:
DICER1-related tumor predisposition. Also called: DICER1-related pleuropulmonary blastoma cancer predisposition syndrome; DICER1 syndrome. Identifiers: Orphanet 284343, MedGen C3839822, MONDO:0100216.
Hereditary cancer-predisposing syndrome. Also called: Hereditary neoplastic syndrome; Neoplastic Syndromes, Hereditary; Hereditary Cancer Syndrome; Tumor predisposition. Identifiers: Orphanet 140162, MedGen C0027672, MeSH D009386, MONDO:0015356.

Allele frequency attached by ClinVar (database versions not stated): gnomAD exomes below 0.00001; ExAC 0.00001.

Submissions (3):

Myriad Genetics, Inc.
Classification: Benign for DICER1-related tumor predisposition. Last evaluated: 2026-04-15. Review status: criteria provided, single submitter. Criteria: Myriad Autosomal Dominant, Autosomal Recessive and X-Linked Classification Criteria (2023). Collection method: clinical testing. Allele origin: unknown.
Comment: This variant is considered benign. This variant is a silent/synonymous amino acid change and it is not expected to impact splicing.

Labcorp Genetics (formerly Invitae), Labcorp
Classification: Likely benign for DICER1-related tumor predisposition. Last evaluated: 2023-12-27. Review status: criteria provided, single submitter. Criteria: Invitae Variant Classification Sherloc (09022015). Collection method: clinical testing. Allele origin: germline.

Ambry Genetics
Classification: Likely benign for Hereditary cancer-predisposing syndrome. Last evaluated: 2017-09-22. Review status: criteria provided, single submitter. Criteria: Ambry Variant Classification Scheme 2023. Collection method: clinical testing. Allele origin: germline.

NM_177438.3(DICER1):c.1072C>T (p.Leu358=)

Gene: DICER1 (dicer 1, ribonuclease III; minus strand). Cytogenetic location: 14q32.13.
Variant type: single nucleotide variant.
Coding change: c.1072C>T on transcript NM_177438.3 (MANE Select); coding-DNA position 1072, C replaced by T.
Protein change: p.Leu358=; no amino-acid change (leucine 358 retained).
Molecular consequence: synonymous variant.
Genome position (GRCh38, 1-based): chr14:95,124,500, G>A on the plus strand (C>T on the coding strand, the complement: DICER1 is on the minus strand). VCF-style: chr14-95124500-G-A. GRCh37 (hg19) VCF-style: chr14-95590837-G-A.
Other names: c.1072C>T, p.Leu358= (NM_001195573.1, NM_001271282.3, NM_001291628.2 and 1 more transcripts).
Identifiers: ClinVar variation 479627 (VCV000479627.9), dbSNP rs750675738, ClinGen allele CA7331531.